The following is an entry in ClinVar:

ClinVar aggregate classification (germline): Conflicting classifications of pathogenicity. Review status: criteria provided, conflicting classifications (1 of 4 stars). 7 submissions from 7 submitters: Uncertain significance (6); Likely benign (1). Last evaluated 2026-09-14.

Conditions:
KIT-related disorder. Also called: KIT-related condition.
Hereditary cancer-predisposing syndrome. Also called: Neoplastic Syndromes, Hereditary; Hereditary neoplastic syndrome; Hereditary Cancer Syndrome; Tumor predisposition. Identifiers: Orphanet 140162, MedGen C0027672, MeSH D009386, MONDO:0015356.
Gastrointestinal stromal tumor. Also called: Gastrointestinal stromal tumor, somatic; Gastrointestinal stroma tumor. Identifiers: Orphanet 44890, MedGen C0238198, MeSH D046152, MONDO:0011719, OMIM 606764, HP:0100723.

Allele frequency attached by ClinVar (database versions not stated): ExAC 0.00002; gnomAD exomes 0.00002 and 0.00006; TOPMed 0.00002; gnomAD 0.00003.
gnomAD v4.1: 105 of 1,614,038 alleles (0.0065%); highest among the groups gnomAD compares: Non-Finnish European, 0.008%; 1 homozygote.

Submissions (7):

PreventionGenetics, part of Exact Sciences
Classification: Uncertain significance for KIT-related condition. Last evaluated: 2026-09-14. Review status: criteria provided, single submitter. Criteria: ACMG Guidelines, 2015. Collection method: clinical testing. Allele origin: germline.
Comment: The KIT c.463C>T variant is predicted to result in the amino acid substitution p.Pro155Ser. To our knowledge, this variant has not been reported in the literature. This variant is reported in 0.0053% of alleles in individuals of European (Non-Finnish) descent in gnomAD. This variant has conflicting classifications in ClinVar, ranging from uncertain significance to likely benign (Variation ID: 237276). At this time, the clinical significance of this variant is uncertain due to the absence of conclusive functional and genetic evidence.

Myriad Genetics, Inc.
Classification: Likely benign for Gastrointestinal stromal tumor. Last evaluated: 2026-05-26. Review status: criteria provided, single submitter. Criteria: Myriad Autosomal Dominant, Autosomal Recessive and X-Linked Classification Criteria (2023). Collection method: clinical testing. Allele origin: unknown.
Comment: This variant is considered likely benign. This variant has been observed at a population frequency that is significantly greater than expected given the associated disease prevalence and penetrance.

Labcorp Genetics (formerly Invitae), Labcorp
Classification: Uncertain significance for Gastrointestinal stromal tumor. Last evaluated: 2026-01-25. Review status: criteria provided, single submitter. Criteria: Invitae Variant Classification Sherloc (09022015). Collection method: clinical testing. Allele origin: germline.
Comment: This sequence change replaces proline, which is neutral and non-polar, with serine, which is neutral and polar, at codon 155 of the KIT protein (p.Pro155Ser). This variant is present in population databases (rs777031731, gnomAD 0.004%). This variant has not been reported in the literature in individuals affected with KIT-related conditions. ClinVar contains an entry for this variant (Variation ID: 237276). An algorithm developed to predict the effect of missense changes on protein structure and function outputs the following: PolyPhen-2: "Benign". The serine amino acid residue is found in multiple mammalian species, which suggests that this missense change does not adversely affect protein function. In summary, the available evidence is currently insufficient to determine the role of this variant in disease. Therefore, it has been classified as a Variant of Uncertain Significance.

Ambry Genetics
Classification: Uncertain significance for Hereditary cancer-predisposing syndrome. Last evaluated: 2025-08-31. Review status: criteria provided, single submitter. Criteria: Ambry Variant Classification Scheme 2023. Collection method: clinical testing. Allele origin: germline.
Comment: The p.P155S variant (also known as c.463C>T), located in coding exon 3 of the KIT gene, results from a C to T substitution at nucleotide position 463. The proline at codon 155 is replaced by serine, an amino acid with similar properties. This amino acid position is not well conserved in available vertebrate species. In addition, this alteration is predicted to be tolerated by in silico analysis. Since supporting evidence is limited at this time, the clinical significance of this alteration remains unclear.

Baylor Genetics
Classification: Uncertain significance for Gastrointestinal stromal tumor. Last evaluated: 2023-12-16. Review status: criteria provided, single submitter. Criteria: ACMG Guidelines, 2015. Collection method: clinical testing. Allele origin: unknown.

ARUP Laboratories, Molecular Genetics and Genomics, ARUP Laboratories
Classification: Uncertain significance. Last evaluated: 2023-12-05. Review status: criteria provided, single submitter. Criteria: ARUP Molecular Germline Variant Investigation Process 2024. Collection method: clinical testing. Allele origin: germline.
Comment: The KIT c.463C>T; p.Pro155Ser variant (rs777031731), to our knowledge, is not reported in the medical literature but is reported in ClinVar (Variation ID: 237276). This variant is observed in the general population with an overall allele frequency of 0.002% (6/251324 alleles) in the Genome Aggregation Database (v2.1.1). Computational analyses predict that this variant is neutral (REVEL: 0.114). Due to limited information, the clinical significance of this variant is uncertain at this time.

GeneDx
Classification: Uncertain significance. Last evaluated: 2023-10-13. Review status: criteria provided, single submitter. Criteria: GeneDx Variant Classification Process June 2021. Collection method: clinical testing. Allele origin: germline. Affected: yes.
Comment: In silico analysis supports that this missense variant does not alter protein structure/function; Has not been previously published as pathogenic or benign to our knowledge

NM_000222.3(KIT):c.463C>T (p.Pro155Ser)

Gene: KIT (KIT proto-oncogene, receptor tyrosine kinase; plus strand). Cytogenetic location: 4q12.
Variant type: single nucleotide variant.
Coding change: c.463C>T on transcript NM_000222.3 (MANE Select); coding-DNA position 463, C replaced by T.
Protein change: p.Pro155Ser; replaces proline 155 with serine.
Molecular consequence: missense variant.
Genome position (GRCh38, 1-based): chr4:54,698,409, C>T. VCF-style: chr4-54698409-C-T. GRCh37 (hg19) VCF-style: chr4-55564575-C-T.
Other names: c.463C>T, p.Pro155Ser (NM_001093772.2, NM_001385284.1, NM_001385285.1 and 4 more transcripts); short protein forms P155S.
Identifiers: ClinVar variation 237276 (VCV000237276.21), dbSNP rs777031731, ClinGen allele CA2923246.